The following is an entry in ClinVar:

ClinVar aggregate classification (germline): Likely benign (1 of 4 stars; one submission).

Allele frequency attached by ClinVar (database versions not stated): gnomAD 0.00001; gnomAD exomes 0.00001; TOPMed 0.00001.
gnomAD v4.1: 14 of 1,209,594 alleles (0.0012%); highest among the groups gnomAD compares: Non-Finnish European, 0.0015%; no homozygotes.

Submission:

CeGaT Center for Human Genetics Tuebingen
Classification: Likely benign. Last evaluated: 2022-04-01. Review status: criteria provided, single submitter. Criteria: CeGaT Center For Human Genetics Tuebingen Variant Classification Criteria Version 2. Collection method: clinical testing. Allele origin: germline. Affected: yes. Observed: 1 variant allele.
Comment: TENM1: BP4, BP7

NM_001163278.2(TENM1):c.4545C>T (p.Leu1515=)

Gene: TENM1 (teneurin transmembrane protein 1; minus strand). Cytogenetic location: Xq25.
Variant type: single nucleotide variant.
Coding change: c.4545C>T on transcript NM_001163278.2 (MANE Select); coding-DNA position 4545, C replaced by T.
Protein change: p.Leu1515=; no amino-acid change (leucine 1515 retained).
Molecular consequence: synonymous variant.
Genome position (GRCh38, 1-based): chrX:124,420,748, G>A on the plus strand (C>T on the coding strand, the complement: TENM1 is on the minus strand). VCF-style: chrX-124420748-G-A. GRCh37 (hg19) VCF-style: chrX-123554598-G-A.
Other names: c.4542C>T, p.Leu1514= (NM_001163279.1); c.4524C>T, p.Leu1508= (NM_014253.3).
Identifiers: ClinVar variation 2661363 (VCV002661363.24), dbSNP rs2060642648, ClinGen allele CA518202879.
Genomic context (GRCh38, chrX:124,420,748, plus strand): 5'-CAGGTGGGCTTGGTTCCTGCTGATGGTACGAATTCGAACATTTCCGAGGTCTGCCACATA[G>A]AGGGTTCCATCAGGCGACACTGCTAAGGAGGAAGGGGCTTTCATCTTTGCATCTTTGGCA-3'
Protein context (NP_001156750.1, residues 1505-1525): SSLAVSPDGT[Leu1515=]YVADLGNVRI